The following is an entry in ClinVar:

NM_020066.5(FMN2):c.3339A>C (p.Leu1113=)

Gene: FMN2 (formin 2; plus strand). Cytogenetic location: 1q43.
Variant type: single nucleotide variant.
Coding change: c.3339A>C on transcript NM_020066.5 (MANE Select); coding-DNA position 3339, A replaced by C.
Protein change: p.Leu1113=; no amino-acid change (leucine 1113 retained).
Molecular consequence: synonymous variant. On other transcripts: intron variant (1).
Genome position (GRCh38, 1-based): chr1:240,208,151, A>C. VCF-style: chr1-240208151-A-C. GRCh37 (hg19) VCF-style: chr1-240371451-A-C.
Other names: c.3351A>C, p.Leu1117= (NM_001305424.2); c.1986+19889A>C (NM_001348094.2).
Identifiers: ClinVar variation 4822730 (VCV004822730.4).

ClinVar aggregate classification (germline): Likely benign (1 of 4 stars; one submission).

Submission:

CeGaT Center for Human Genetics Tuebingen
Classification: Likely benign. Last evaluated: 2026-01-01. Review status: criteria provided, single submitter. Criteria: CeGaT Center For Human Genetics Tuebingen Variant Classification Criteria Version 2. Collection method: clinical testing. Allele origin: germline. Affected: yes. Observed: 1 variant allele.
Comment: FMN2: PM2:Supporting, BP4, BP7